The following is an entry in ClinVar:

ClinVar aggregate classification (germline): Pathogenic/Likely pathogenic. Review status: criteria provided, multiple submitters, no conflicts (2 of 4 stars). 6 submissions from 6 submitters: Pathogenic (3); Likely pathogenic (3). Last evaluated 2025-01-23.

Conditions:
Bartter syndrome. Identifiers: Orphanet 112, MedGen C0004775, MONDO:0015231.
Bartter disease type 2. Also called: HYPOKALEMIC ALKALOSIS WITH HYPERCALCIURIA 2, ANTENATAL; HYPERPROSTAGLANDIN E SYNDROME 2; Bartter syndrome, type 2, antenatal. Identifiers: Orphanet 112, Orphanet 620220, MedGen C1855849, MONDO:0009424, OMIM 241200.
KCNJ1-related disorders.

Allele frequency attached by ClinVar (database versions not stated): ExAC 0.00001; gnomAD 0.00001; gnomAD exomes 0.00001.
gnomAD v4.1: 16 of 1,613,928 alleles (0.00099%); highest among the groups gnomAD compares: Admixed American, 0.0017%; no homozygotes.

Submissions (6):

MVZ Medizinische Genetik Mainz
Classification: Pathogenic for Bartter disease type 2. Last evaluated: 2025-01-23. Review status: criteria provided, single submitter. Criteria: UK Practice Guidelines For Variant Classification V4 01 2020. Collection method: clinical testing. Allele origin: germline. Inheritance: Autosomal recessive inheritance. Affected: yes. Observed: 1 variant allele.
Comment: ACMG Criteria: PM3_STR,PP1_MOD,PP3_MOD,PS3_SUP,PM1_SUP,PM2_SUP; Compound Heterozygote

Labcorp Genetics (formerly Invitae), Labcorp
Classification: Pathogenic. Last evaluated: 2024-09-03. Review status: criteria provided, single submitter. Criteria: Invitae Variant Classification Sherloc (09022015). Collection method: clinical testing. Allele origin: germline.
Comment: This sequence change replaces alanine, which is neutral and non-polar, with valine, which is neutral and non-polar, at codon 103 of the KCNJ1 protein (p.Ala103Val). This variant is present in population databases (rs764778741, gnomAD 0.01%). This missense change has been observed in individual(s) with Bartter syndrome (PMID: 11318951, 34345425). In at least one individual the data is consistent with being in trans (on the opposite chromosome) from a pathogenic variant. This variant is also known as c.251C>T;p.(Ala84Val). ClinVar contains an entry for this variant (Variation ID: 1803985). An algorithm developed to predict the effect of missense changes on protein structure and function (PolyPhen-2) suggests that this variant is likely to be disruptive. Experimental studies have shown that this missense change affects KCNJ1 function (PMID: 11318951). For these reasons, this variant has been classified as Pathogenic.

Women's Health and Genetics/Laboratory Corporation of America, LabCorp
Classification: Likely pathogenic for Bartter syndrome. Last evaluated: 2024-08-06. Review status: criteria provided, single submitter. Criteria: LabCorp Variant Classification Summary - May 2015. Collection method: clinical testing. Allele origin: germline.
Comment: Variant summary: KCNJ1 c.308C>T (p.Ala103Val) results in a non-conservative amino acid change located in the Potassium channel, inwardly rectifying, transmembrane domain (IPR040445) of the encoded protein sequence. Five of five in-silico tools predict a damaging effect of the variant on protein function. The variant allele was found at a frequency of 1.2e-05 in 250916 control chromosomes. c.308C>T has been reported in the literature as a biallelic compound heterozygous genotype in at-least two individuals affected with Bartter Syndrome, Type 2 (example, Jeck_2001, Peces_2021). At least one publication reports experimental evidence evaluating an impact on protein function. The most pronounced variant effect results in 10%-<30% of normal activity measured as Barium ion sensitive potassium ion currents (Jeck_2001). The following publications have been ascertained in the context of this evaluation (PMID: 11318951, 34345425, 12081585, 35463019). ClinVar contains an entry for this variant (Variation ID: 1803985). Based on the evidence outlined above, the variant was classified as likely pathogenic.

Fulgent Genetics
Classification: Likely pathogenic for Bartter disease type 2. Last evaluated: 2024-06-24. Review status: criteria provided, single submitter. Criteria: ACMG Guidelines, 2015. Collection method: clinical testing. Allele origin: germline.

Blueprint Genetics
Classification: Pathogenic for KCNJ1-related disorders. Last evaluated: 2022-11-02. Review status: criteria provided, single submitter. Criteria: ACMG Guidelines, 2015. Collection method: clinical testing. Allele origin: germline. Affected: yes. Observed: 3 variant alleles.

Institute of Human Genetics Munich, TUM University Hospital
Classification: Likely pathogenic for Bartter disease type 2. Last evaluated: 2022-06-07. Review status: criteria provided, single submitter. Criteria: Classification criteria August 2017. Collection method: clinical testing. Allele origin: inherited. Inheritance: Autosomal recessive inheritance. Affected: yes. Observed: 1 variant allele.

Literature cited by the submitters: PubMed 11318951 (cited by Labcorp Genetics (formerly Invitae), Labcorp and Women's Health and Genetics/Laboratory Corporation of America, LabCorp); PubMed 34345425 (cited by Labcorp Genetics (formerly Invitae), Labcorp and Women's Health and Genetics/Laboratory Corporation of America, LabCorp); PubMed 12081585 (cited by Women's Health and Genetics/Laboratory Corporation of America, LabCorp); PubMed 35463019 (cited by Women's Health and Genetics/Laboratory Corporation of America, LabCorp).

NM_153766.3(KCNJ1):c.251C>T (p.Ala84Val)

Gene: KCNJ1 (potassium inwardly rectifying channel subfamily J member 1; minus strand). Cytogenetic location: 11q24.3.
Variant type: single nucleotide variant.
Coding change: c.251C>T on transcript NM_153766.3 (MANE Select); coding-DNA position 251, C replaced by T.
Protein change: p.Ala84Val; replaces alanine 84 with valine.
Molecular consequence: missense variant.
Genome position (GRCh38, 1-based): chr11:128,839,993, G>A on the plus strand (C>T on the coding strand, the complement: KCNJ1 is on the minus strand). VCF-style: chr11-128839993-G-A. GRCh37 (hg19) VCF-style: chr11-128709888-G-A.
Other names: c.308C>T, p.Ala103Val (NM_000220.6); c.251C>T, p.Ala84Val (NM_153764.3, NM_153767.4); c.302C>T, p.Ala101Val (NM_153765.3); short protein forms A101V, A103V, A84V.
Identifiers: ClinVar variation 1803985 (VCV001803985.8), dbSNP rs764778741, ClinGen allele CA6357549.
Genomic context (GRCh38, chr11:128,839,993, plus strand): 5'-TCCACACAGGGAGTGTGATTGGCAGAAGGATGGAATTCCGGGAGGTCTTTGTGAATGTAC[G>A]CTACTGCATACCACAGGAGACCAAAGAAAAACCAACTCCCCAAGAAGGCTGTGATGAAAA-3'
Protein context (NP_722450.1, residues 74-94): FFFGLLWYAV[Ala84Val]YIHKDLPEFH